The following is an entry in ClinVar:

NM_000257.4(MYH7):c.1608G>C (p.Glu536Asp)

Gene: MYH7 (myosin heavy chain 7; minus strand). Cytogenetic location: 14q11.2.
Variant type: single nucleotide variant.
Coding change: c.1608G>C on transcript NM_000257.4 (MANE Select); coding-DNA position 1608, G replaced by C.
Protein change: p.Glu536Asp; replaces glutamic acid 536 with aspartic acid.
Molecular consequence: missense variant.
Genome position (GRCh38, 1-based): chr14:23,427,865, C>G on the plus strand (G>C on the coding strand, the complement: MYH7 is on the minus strand). VCF-style: chr14-23427865-C-G. GRCh37 (hg19) VCF-style: chr14-23897074-C-G.
Other names: c.1608G>C, p.Glu536Asp (NM_001407004.1); short protein forms E536D.
Identifiers: ClinVar variation 4820541 (VCV004820541.1).

ClinVar aggregate classification (germline): Likely pathogenic (1 of 4 stars; one submission).

Conditions:
Cardiovascular phenotype. Identifiers: MedGen CN230736.

Submission:

Molecular Diagnostic Laboratory for Inherited Cardiovascular Disease, Montreal Heart Institute
Classification: Likely pathogenic for Cardiovascular phenotype. Last evaluated: 2025-07-28. Review status: criteria provided, single submitter. Criteria: ACMG Guidelines, 2015. Collection method: clinical testing. Allele origin: germline. Affected: yes.
Comment: PM1, PM2, PS4_supp, PP3